The following is an entry in ClinVar:

ClinVar aggregate classification (germline): Uncertain significance (1 of 4 stars; one submission).

Allele frequency attached by ClinVar (database versions not stated): TOPMed 0.00001; ExAC 0.00003.
gnomAD v4.1: 23 of 1,613,472 alleles (0.0014%); highest among the groups gnomAD compares: Middle Eastern, 0.017%; no homozygotes.

Submission:

Labcorp Genetics (formerly Invitae), Labcorp
Classification: Uncertain significance. Last evaluated: 2025-08-18. Review status: criteria provided, single submitter. Criteria: Invitae Variant Classification Sherloc (09022015). Collection method: clinical testing. Allele origin: germline.
Comment: This sequence change replaces threonine, which is neutral and polar, with methionine, which is neutral and non-polar, at codon 681 of the VPS13A protein (p.Thr681Met). This variant is present in population databases (rs776797490, gnomAD 0.01%). This variant has not been reported in the literature in individuals affected with VPS13A-related conditions. ClinVar contains an entry for this variant (Variation ID: 2142046). Invitae Evidence Modeling of protein sequence and biophysical properties (such as structural, functional, and spatial information, amino acid conservation, physicochemical variation, residue mobility, and thermodynamic stability) has been performed for this missense variant. However, the output from this modeling did not meet the statistical confidence thresholds required to predict the impact of this variant on VPS13A protein function. Algorithms developed to predict the effect of sequence changes on RNA splicing suggest that this variant may disrupt the consensus splice site. In summary, the available evidence is currently insufficient to determine the role of this variant in disease. Therefore, it has been classified as a Variant of Uncertain Significance.

NM_033305.3(VPS13A):c.2042C>T (p.Thr681Met)

Gene: VPS13A (vacuolar protein sorting 13 homolog A; plus strand). Cytogenetic location: 9q21.2.
Variant type: single nucleotide variant.
Coding change: c.2042C>T on transcript NM_033305.3 (MANE Select); coding-DNA position 2042, C replaced by T.
Protein change: p.Thr681Met; replaces threonine 681 with methionine.
Molecular consequence: missense variant.
Genome position (GRCh38, 1-based): chr9:77,250,101, C>T. VCF-style: chr9-77250101-C-T. GRCh37 (hg19) VCF-style: chr9-79865017-C-T.
Other names: c.2042C>T, p.Thr681Met (NM_001018037.2, NM_001018038.3, NM_015186.4); short protein forms T681M.
Identifiers: ClinVar variation 2142046 (VCV002142046.2), dbSNP rs776797490, ClinGen allele CA5091844.